The following is an entry in ClinVar:

ClinVar aggregate classification (germline): Uncertain significance (1 of 4 stars; one submission).

Conditions:
Neurofibromatosis, type 1 (NF1). Also called: NEUROFIBROMATOSIS, TYPE I, SOMATIC; Neurofibromatosis, type I; VON RECKLINGHAUSEN DISEASE; Peripheral type neurofibromatosis. Identifiers: Orphanet 636, MedGen C0027831, MONDO:0018975, OMIM 162200. Disease mechanism: loss of function.

Submission:

Labcorp Genetics (formerly Invitae), Labcorp
Classification: Uncertain significance for Neurofibromatosis, type 1. Last evaluated: 2020-08-25. Review status: criteria provided, single submitter. Criteria: Invitae Variant Classification Sherloc (09022015). Collection method: clinical testing. Allele origin: germline.
Comment: This variant results in a copy number gain of the genomic region encompassing the full coding sequence of the NF1 gene. The boundaries of this event are unknown as they extend beyond the assayed region for this gene and therefore may encompass additional genes. As the precise location of this event is unknown, it may be in tandem or it may be located elsewhere in the genome. While a whole gene duplication of NF1 alone has not been reported in the literature in individuals with NF1-related disease, microduplications spanning NF1 and the surrounding genomic region have been reported in individuals with variable developmental delay, intellectual disability, and a distinct absence of neurofibromas (PMID: 25205021, 22241097, 18183042, 27629806). These large multigenic duplications in NF1 appear to segregate with disease in several families although a few unaffected carriers have also been observed (PMID: 18183042, 22241097, 25205021). In summary, the available evidence is currently insufficient to determine the role of this variant in disease. Therefore, it has been classified as a Variant of Uncertain Significance.

Literature cited by the submitters: PubMed 25205021; PubMed 22241097; PubMed 18183042; PubMed 27629806.

NC_000017.10:g.(?_29422308)_(29701193_?)dup

Genes: EVI2A (ecotropic viral integration site 2A; minus strand), EVI2B (ecotropic viral integration site 2B; minus strand), NF1 (neurofibromin 1; plus strand), OMG (oligodendrocyte myelin glycoprotein; minus strand). Cytogenetic location: 17q11.2.
Variant type: Duplication.
Identifiers: ClinVar variation 1060911 (VCV001060911.1).